The following is an entry in ClinVar:

NM_000702.4(ATP1A2):c.2563+17G>A

Gene: ATP1A2 (ATPase Na+/K+ transporting subunit alpha 2; plus strand). Cytogenetic location: 1q23.2.
Variant type: single nucleotide variant.
Coding change: c.2563+17G>A on transcript NM_000702.4 (MANE Select); 17 bases into the intron after coding-DNA position 2563, G replaced by A.
Molecular consequence: intron variant.
Genome position (GRCh38, 1-based): chr1:160,136,387, G>A. VCF-style: chr1-160136387-G-A. GRCh37 (hg19) VCF-style: chr1-160106177-G-A.
Identifiers: ClinVar variation 510508 (VCV000510508.1), dbSNP rs1553245863, ClinGen allele CA658795551.
Genomic context (GRCh38, chr1:160,136,387, plus strand): 5'-GCTGGTGAATGAGAGGCTCATCAGCATGGCCTACGGACAGATCGGTGCGCCAAGCCCCGG[G>A]CCTCGGGAGGGAACCCCAACAGGGTTCTTTTCCCAGCTTTCAGAGGAATGAGCCCCAAGC-3'

ClinVar aggregate classification (germline): Likely benign (1 of 4 stars; one submission).

Allele frequency attached by ClinVar (database versions not stated): gnomAD exomes 0.00001.
gnomAD v4.1: 4 of 1,613,782 alleles (0.00025%); highest among the groups gnomAD compares: Non-Finnish European, 0.00034%; no homozygotes.

Submission:

GeneDx
Classification: Likely benign. Last evaluated: 2017-06-29. Review status: criteria provided, single submitter. Criteria: GeneDx Variant Classification (06012015). Collection method: clinical testing. Allele origin: germline. Affected: yes.
Comment: This variant is considered likely benign or benign based on one or more of the following criteria: it is a conservative change, it occurs at a poorly conserved position in the protein, it is predicted to be benign by multiple in silico algorithms, and/or has population frequency not consistent with disease.